The following is an entry in ClinVar:

ClinVar aggregate classification (germline): Uncertain significance. Review status: criteria provided, multiple submitters, no conflicts (2 of 4 stars). 3 submissions from 3 submitters: Uncertain significance (3). Last evaluated 2022-10-25.

Conditions:
Immunodeficiency 35 (IMD35). Also called: HIES WITH ATYPICAL MYCOBACTERIOSIS, AUTOSOMAL RECESSIVE; HYPER-IgE SYNDROME WITH ATYPICAL MYCOBACTERIOSIS, AUTOSOMAL RECESSIVE; Susceptibility to infection due to TYK2 deficiency; TYK2 DEFICIENCY. Identifiers: Orphanet 331226, MedGen C1969086, MONDO:0012682, OMIM 611521.

Allele frequency attached by ClinVar (database versions not stated): ExAC 0.00004; gnomAD exomes 0.00004; TOPMed 0.00016; gnomAD 0.00017 and 0.00019; ESP Exome Variant Server 0.00023.
gnomAD v4.1: 89 of 1,613,790 alleles (0.0055%); highest among the groups gnomAD compares: African/African-American, 0.067%; no homozygotes.

Submissions (3):

Blueprint Genetics
Classification: Uncertain significance. Last evaluated: 2022-10-25. Review status: criteria provided, single submitter. Criteria: ACMG Guidelines, 2015. Collection method: clinical testing. Allele origin: germline.

Labcorp Genetics (formerly Invitae), Labcorp
Classification: Uncertain significance for Immunodeficiency 35. Last evaluated: 2022-07-26. Review status: criteria provided, single submitter. Criteria: Invitae Variant Classification Sherloc (09022015). Collection method: clinical testing. Allele origin: germline.
Comment: This sequence change replaces alanine, which is neutral and non-polar, with valine, which is neutral and non-polar, at codon 413 of the TYK2 protein (p.Ala413Val). This variant is present in population databases (rs138661716, gnomAD 0.04%). This variant has not been reported in the literature in individuals affected with TYK2-related conditions. ClinVar contains an entry for this variant (Variation ID: 648900). Algorithms developed to predict the effect of missense changes on protein structure and function are either unavailable or do not agree on the potential impact of this missense change (SIFT: "Not Available"; PolyPhen-2: "Possibly Damaging"; Align-GVGD: "Not Available"). In summary, the available evidence is currently insufficient to determine the role of this variant in disease. Therefore, it has been classified as a Variant of Uncertain Significance.

New York Genome Center
Classification: Uncertain significance for Immunodeficiency 35. Last evaluated: 2020-06-26. Review status: criteria provided, single submitter. Criteria: NYGC Assertion Criteria 2020. Collection method: clinical testing. Allele origin: germline. Observed: 1 heterozygote. Study: CSER-NYCKidSeq.

NM_003331.5(TYK2):c.1238C>T (p.Ala413Val)

Gene: TYK2 (tyrosine kinase 2; minus strand). Cytogenetic location: 19p13.2.
Variant type: single nucleotide variant.
Coding change: c.1238C>T on transcript NM_003331.5 (MANE Select); coding-DNA position 1238, C replaced by T.
Protein change: p.Ala413Val; replaces alanine 413 with valine.
Molecular consequence: missense variant.
Genome position (GRCh38, 1-based): chr19:10,364,743, G>A on the plus strand (C>T on the coding strand, the complement: TYK2 is on the minus strand). VCF-style: chr19-10364743-G-A. GRCh37 (hg19) VCF-style: chr19-10475419-G-A.
Other names: c.1238C>T (LRG_121t1); short protein forms A413V.
Identifiers: ClinVar variation 648900 (VCV000648900.10), dbSNP rs138661716, ClinGen allele CA9193484.